The following is an entry in ClinVar:

NM_002227.4(JAK1):c.1084G>C (p.Glu362Gln)

Gene: JAK1 (Janus kinase 1; minus strand). Cytogenetic location: 1p31.3.
Variant type: single nucleotide variant.
Coding change: c.1084G>C on transcript NM_002227.4 (MANE Select); coding-DNA position 1084, G replaced by C.
Protein change: p.Glu362Gln; replaces glutamic acid 362 with glutamine.
Molecular consequence: missense variant.
Genome position (GRCh38, 1-based): chr1:64,864,879, C>G on the plus strand (G>C on the coding strand, the complement: JAK1 is on the minus strand). VCF-style: chr1-64864879-C-G. GRCh37 (hg19) VCF-style: chr1-65330562-C-G.
Other names: c.1084G>C, p.Glu362Gln (NM_001320923.2, NM_001321852.2, NM_001321853.2 and 4 more transcripts); short protein forms E362Q.
Identifiers: ClinVar variation 4808302 (VCV004808302.1).

ClinVar aggregate classification (germline): Uncertain significance (1 of 4 stars; one submission).

gnomAD v4.1: 10 of 1,613,876 alleles (0.00062%); highest among the groups gnomAD compares: Non-Finnish European, 0.00085%; no homozygotes.

Submission:

Labcorp Genetics (formerly Invitae), Labcorp
Classification: Uncertain significance. Last evaluated: 2025-09-21. Review status: criteria provided, single submitter. Criteria: Invitae Variant Classification Sherloc (09022015). Collection method: clinical testing. Allele origin: germline.
Comment: This sequence change replaces glutamic acid, which is acidic and polar, with glutamine, which is neutral and polar, at codon 362 of the JAK1 protein (p.Glu362Gln). This variant is not present in population databases (gnomAD no frequency). This variant has not been reported in the literature in individuals affected with JAK1-related conditions. Invitae Evidence Modeling of protein sequence and biophysical properties (such as structural, functional, and spatial information, amino acid conservation, physicochemical variation, residue mobility, and thermodynamic stability) indicates that this missense variant is not expected to disrupt JAK1 protein function with a negative predictive value of 80%. In summary, the available evidence is currently insufficient to determine the role of this variant in disease. Therefore, it has been classified as a Variant of Uncertain Significance.